The following is an entry in ClinVar:

NM_005751.5(AKAP9):c.10568C>T (p.Ala3523Val)

Gene: AKAP9 (A-kinase anchoring protein 9; plus strand). Cytogenetic location: 7q21.2.
Variant type: single nucleotide variant.
Coding change: c.10568C>T on transcript NM_005751.5 (MANE Select); coding-DNA position 10568, C replaced by T.
Protein change: p.Ala3523Val; replaces alanine 3523 with valine.
Molecular consequence: missense variant.
Genome position (GRCh38, 1-based): chr7:92,097,755, C>T. VCF-style: chr7-92097755-C-T. GRCh37 (hg19) VCF-style: chr7-91727069-C-T.
Other names: c.5213C>T, p.Ala1738Val (NM_001379277.1); c.10544C>T, p.Ala3515Val (NM_147185.3); short protein forms A3523V, A3515V, A1738V.
Identifiers: ClinVar variation 3003383 (VCV003003383.4), dbSNP rs769833170, ClinGen allele CA4337971.

ClinVar aggregate classification (germline): Uncertain significance. Review status: criteria provided, multiple submitters, no conflicts (2 of 4 stars). 2 submissions from 2 submitters: Uncertain significance (2). Last evaluated 2024-05-22.

Conditions:
Cardiovascular phenotype. Identifiers: MedGen CN230736.
Long QT syndrome (LQTS). Identifiers: MedGen C0023976, MeSH D008133, MONDO:0002442. Disease mechanism: loss of function. Inheritance: Various modes of inheritance.

Allele frequency attached by ClinVar (database versions not stated): ExAC 0.00001; gnomAD exomes 0.00001.
gnomAD v4.1: 11 of 1,614,188 alleles (0.00068%); highest among the groups gnomAD compares: South Asian, 0.011%; no homozygotes.

Submissions (2):

Ambry Genetics
Classification: Uncertain significance for Cardiovascular phenotype. Last evaluated: 2024-05-22. Review status: criteria provided, single submitter. Criteria: Ambry Variant Classification Scheme 2023. Collection method: clinical testing. Allele origin: germline.
Comment: The p.A3523V variant (also known as c.10568C>T), located in coding exon 42 of the AKAP9 gene, results from a C to T substitution at nucleotide position 10568. The alanine at codon 3523 is replaced by valine, an amino acid with similar properties. This amino acid position is conserved. In addition, this alteration is predicted to be tolerated by in silico analysis. Based on the available evidence, the clinical significance of this variant remains unclear.

Labcorp Genetics (formerly Invitae), Labcorp
Classification: Uncertain significance for Long QT syndrome. Last evaluated: 2023-11-10. Review status: criteria provided, single submitter. Criteria: Invitae Variant Classification Sherloc (09022015). Collection method: clinical testing. Allele origin: germline.
Comment: This sequence change replaces alanine, which is neutral and non-polar, with valine, which is neutral and non-polar, at codon 3523 of the AKAP9 protein (p.Ala3523Val). This variant is present in population databases (rs769833170, gnomAD 0.003%). This variant has not been reported in the literature in individuals affected with AKAP9-related conditions. Algorithms developed to predict the effect of missense changes on protein structure and function output the following: SIFT: "Not Available"; PolyPhen-2: "Possibly Damaging"; Align-GVGD: "Not Available". The valine amino acid residue is found in multiple mammalian species, which suggests that this missense change does not adversely affect protein function. In summary, the available evidence is currently insufficient to determine the role of this variant in disease. Therefore, it has been classified as a Variant of Uncertain Significance.